The following is an entry in ClinVar:

ClinVar aggregate classification (germline): Conflicting classifications of pathogenicity. Review status: criteria provided, conflicting classifications (1 of 4 stars). 2 submissions from 2 submitters: Uncertain significance (1); Likely benign (1). Last evaluated 2023-10-20.

Allele frequency attached by ClinVar (database versions not stated): gnomAD 0.00005; TOPMed 0.00006; gnomAD exomes 0.00007; ExAC 0.00017.
gnomAD v4.1: 84 of 1,207,300 alleles (0.007%); highest among the groups gnomAD compares: Middle Eastern, 0.12%; no homozygotes.

Submissions (2):

Ambry Genetics
Classification: Uncertain significance. Last evaluated: 2023-10-20. Review status: criteria provided, single submitter. Criteria: Ambry Variant Classification Scheme 2023. Collection method: clinical testing. Allele origin: germline.

CeGaT Center for Human Genetics Tuebingen
Classification: Likely benign. Last evaluated: 2023-02-01. Review status: criteria provided, single submitter. Criteria: CeGaT Center For Human Genetics Tuebingen Variant Classification Criteria Version 2. Collection method: clinical testing. Allele origin: germline. Affected: yes. Observed: 1 variant allele.
Comment: MAGED1: BS2

NM_006986.4(MAGED1):c.2296G>A (p.Ala766Thr)

Gene: MAGED1 (MAGE family member D1; plus strand). Cytogenetic location: Xp11.22.
Variant type: single nucleotide variant.
Coding change: c.2296G>A on transcript NM_006986.4 (MANE Select); coding-DNA position 2296, G replaced by A.
Protein change: p.Ala766Thr; replaces alanine 766 with threonine.
Molecular consequence: missense variant.
Genome position (GRCh38, 1-based): chrX:51,901,889, G>A. VCF-style: chrX-51901889-G-A. GRCh37 (hg19) VCF-style: chrX-51644985-G-A.
Other names: c.2296G>A, p.Ala766Thr (NM_001005332.2); c.2464G>A, p.Ala822Thr (NM_001005333.2); c.2464G>A (NM_001005333.1); short protein forms A766T, A822T.
Identifiers: ClinVar variation 2660577 (VCV002660577.25), dbSNP rs782464602, ClinGen allele CA10417751.